The following is an entry in ClinVar:

NC_000002.11:g.(?_15378572)_(15679500_?)del

Gene: NBAS (NBAS subunit of NRZ tethering complex; minus strand). Cytogenetic location: 2p24.3.
Variant type: Deletion.
Identifiers: ClinVar variation 3247563 (VCV003247563.1).

ClinVar aggregate classification (germline): Pathogenic (1 of 4 stars; one submission).

Submission:

Labcorp Genetics (formerly Invitae), Labcorp
Classification: Pathogenic. Last evaluated: 2023-04-24. Review status: criteria provided, single submitter. Criteria: Invitae Variant Classification Sherloc (09022015). Collection method: clinical testing. Allele origin: unknown.
Comment: For these reasons, this variant has been classified as Pathogenic. This variant has not been reported in the literature in individuals affected with NBAS-related conditions. This variant is a gross deletion of the genomic region encompassing exon(s) 7-45 of the NBAS gene. This deletion is out-of-frame, and is expected to create a premature termination codon and result in an absent or disrupted protein product. Loss-of-function variants in NBAS are known to be pathogenic (PMID: 26073778, 26541327, 27789416, 28031453).

Literature cited by the submitters: PubMed 26073778; PubMed 26541327; PubMed 27789416; PubMed 28031453.